The following is an entry in ClinVar:

NM_006885.4(ZFHX3):c.811G>T (p.Gly271Cys)

Gene: ZFHX3 (zinc finger homeobox 3; minus strand). Cytogenetic location: 16q22.3.
Variant type: single nucleotide variant.
Coding change: c.811G>T on transcript NM_006885.4 (MANE Select); coding-DNA position 811, G replaced by T.
Protein change: p.Gly271Cys; replaces glycine 271 with cysteine.
Molecular consequence: missense variant. On other transcripts: intron variant (1).
Genome position (GRCh38, 1-based): chr16:72,959,335, C>A on the plus strand (G>T on the coding strand, the complement: ZFHX3 is on the minus strand). VCF-style: chr16-72959335-C-A. GRCh37 (hg19) VCF-style: chr16-72993234-C-A.
Other names: c.811G>T, p.Gly271Cys (NM_001386735.1); c.-23-8370G>T (NM_001164766.2); short protein forms G271C.
Identifiers: ClinVar variation 4537653 (VCV004537653.1).
Genomic context (GRCh38, chr16:72,959,335, plus strand): 5'-AGGAGAGTTTGCACAAGAAACACATCAGGATGGGCTTCCTCTTGCCATAGAGCACAAAGC[C>A]ATCGAATTTGGACAGGTCCACATTGTTGGGAACATCTTTGGATACGCAGGAGCTTTTGGC-3'
Protein context (NP_008816.3, residues 261-281): PNNVDLSKFD[Gly271Cys]FVLYGKRKPI

ClinVar aggregate classification (germline): Uncertain significance (1 of 4 stars; one submission).

Submission:

GeneDx
Classification: Uncertain significance. Last evaluated: 2025-06-09. Review status: criteria provided, single submitter. Criteria: GeneDx Variant Classification Process June 2021. Collection method: clinical testing. Allele origin: germline. Affected: yes.
Comment: In silico analysis supports that this missense variant has a deleterious effect on protein structure/function; Has not been previously published as pathogenic or benign to our knowledge